The following is an entry in ClinVar:

NM_153704.6(TMEM67):c.2616A>C (p.Lys872Asn)

Gene: TMEM67 (transmembrane protein 67; plus strand). Cytogenetic location: 8q22.1.
Variant type: single nucleotide variant.
Coding change: c.2616A>C on transcript NM_153704.6 (MANE Select); coding-DNA position 2616, A replaced by C.
Protein change: p.Lys872Asn; replaces lysine 872 with asparagine.
Molecular consequence: missense variant. On other transcripts: non-coding transcript variant (1).
Genome position (GRCh38, 1-based): chr8:93,809,116, A>C. VCF-style: chr8-93809116-A-C. GRCh37 (hg19) VCF-style: chr8-94821344-A-C.
Other names: c.2373A>C, p.Lys791Asn (NM_001142301.1); short protein forms K791N, K872N.
Identifiers: ClinVar variation 4998753 (VCV004998753.1).
Genomic context (GRCh38, chr8:93,809,116, plus strand): 5'-GAAAAATGGTCCTGCTAGACTACTGAGTTCATCAGCAAGTACTTTTGAGCAGAGTATAAA[A>C]GCATATCATATGATGAATAAATTTCTTGGCTCCTTCATTGACCATGTATGTATGTCAACA-3'
Protein context (NP_714915.3, residues 862-882): SSASTFEQSI[Lys872Asn]AYHMMNKFLG

ClinVar aggregate classification (germline): Uncertain significance (1 of 4 stars; one submission).

Conditions:
TMEM67-related disorder. Also called: TMEM67-related condition; TMEM67-related disorders. Identifiers: MedGen CN239423.

Submission:

PreventionGenetics, part of Exact Sciences
Classification: Uncertain significance for TMEM67-related condition. Last evaluated: 2025-03-19. Review status: criteria provided, single submitter. Criteria: ACMG Guidelines, 2015. Collection method: clinical testing. Allele origin: germline.
Comment: The TMEM67 c.2616A>C variant is predicted to result in the amino acid substitution p.Lys872Asn. To our knowledge, this variant has not been reported in the literature. This variant is reported in 0.0062% of alleles in individuals of African descent in gnomAD. At this time, the clinical significance of this variant is uncertain due to the absence of conclusive functional and genetic evidence.